The following is an entry in ClinVar:

NM_004700.4(KCNQ4):c.972G>A (p.Leu324=)

Gene: KCNQ4 (potassium voltage-gated channel subfamily Q member 4; plus strand). Cytogenetic location: 1p34.2.
Variant type: single nucleotide variant.
Coding change: c.972G>A on transcript NM_004700.4 (MANE Select); coding-DNA position 972, G replaced by A.
Protein change: p.Leu324=; no amino-acid change (leucine 324 retained).
Molecular consequence: synonymous variant.
Genome position (GRCh38, 1-based): chr1:40,820,191, G>A. VCF-style: chr1-40820191-G-A. GRCh37 (hg19) VCF-style: chr1-41285863-G-A.
Other names: c.972G>A, p.Leu324= (NM_172163.3).
Identifiers: ClinVar variation 163750 (VCV000163750.20), dbSNP rs137896524, ClinGen allele CA176471.

ClinVar aggregate classification (germline): Benign. Review status: criteria provided, multiple submitters, no conflicts (2 of 4 stars). 7 submissions from 7 submitters: Benign (7). Last evaluated 2025-12-23.

Conditions:
Autosomal dominant nonsyndromic hearing loss 2A. Also called: DFNA2 Nonsyndromic Hearing Loss; Autosomal dominant nonsyndromic deafness 2A; Deafness, autosomal dominant 2A. Identifiers: Orphanet 90635, MedGen C2677637, MONDO:0010817, OMIM 600101.

Allele frequency attached by ClinVar (database versions not stated): ESP Exome Variant Server 0.00069; gnomAD 0.00085 and 0.00142; TOPMed 0.00102; gnomAD exomes 0.00205 and 0.00320; 1000 Genomes Project 30x 0.00219; 1000 Genomes Project 0.00240; ExAC 0.00497.
gnomAD v4.1: 3,261 of 1,610,128 alleles (0.2%); highest among the groups gnomAD compares: South Asian, 2%; 41 homozygotes.

Submissions (7):

Labcorp Genetics (formerly Invitae), Labcorp
Classification: Benign. Last evaluated: 2025-12-23. Review status: criteria provided, single submitter. Criteria: Invitae Variant Classification Sherloc (09022015). Collection method: clinical testing. Allele origin: germline.

ARUP Laboratories, Molecular Genetics and Genomics, ARUP Laboratories
Classification: Benign for Autosomal dominant nonsyndromic hearing loss 2A. Last evaluated: 2023-10-16. Review status: criteria provided, single submitter. Criteria: ARUP Molecular Germline Variant Investigation Process 2024. Collection method: clinical testing. Allele origin: germline.

Genome-Nilou Lab
Classification: Benign for Autosomal dominant nonsyndromic hearing loss 2A. Last evaluated: 2023-04-11. Review status: criteria provided, single submitter. Criteria: ACMG Guidelines, 2015. Collection method: clinical testing. Allele origin: germline. Affected: no.

GeneDx
Classification: Benign. Last evaluated: 2018-11-29. Review status: criteria provided, single submitter. Criteria: GeneDx Variant Classification Process June 2021. Collection method: clinical testing. Allele origin: germline. Affected: yes.

Laboratory for Molecular Medicine, Mass General Brigham Personalized Medicine
Classification: Benign. Last evaluated: 2015-02-02. Review status: criteria provided, single submitter. Criteria: LMM Criteria. Collection method: clinical testing. Allele origin: germline. Observed: 6 variant alleles.
Comment: p.Leu324Leu in exon 7 of KCNQ4: This variant is not expected to have clinical si gnificance because it does not alter an amino acid residue, is not located withi n the splice consensus sequence, and has been identified in 2.4% (297/12304) of South Asian chromosomes by the Exome Aggregation Consortium (ExAC; dbSNP rs137896524).

Breakthrough Genomics
Classification: Benign. Review status: criteria provided, single submitter. Criteria: ACMG Guidelines, 2015. Collection method: not provided. Allele origin: germline. Inheritance: Autosomal dominant inheritance. Affected: yes.

PreventionGenetics, part of Exact Sciences
Classification: Benign. Review status: criteria provided, single submitter. Criteria: ACMG Guidelines, 2015. Collection method: clinical testing. Allele origin: germline.